The following is an entry in ClinVar:

ClinVar aggregate classification (germline): Benign (1 of 4 stars; one submission).

Conditions:
Fibrous dysplasia of jaw (CRBM). Also called: Cherubism. Identifiers: Orphanet 184, MedGen C0008029, MONDO:0007315, OMIM 118400.

Allele frequency attached by ClinVar (database versions not stated): gnomAD 0.00556 and 0.00598; 1000 Genomes Project 0.00559; 1000 Genomes Project 30x 0.00593; TOPMed 0.00612.

Submission:

Illumina Laboratory Services, Illumina
Classification: Benign for Fibrous dysplasia of jaw. Last evaluated: 2018-01-12. Review status: criteria provided, single submitter. Criteria: ICSL Variant Classification Criteria 13 December 2019. Collection method: clinical testing. Allele origin: germline.
Comment: This variant was observed in the ICSL laboratory as part of a predisposition screen in an ostensibly healthy population. It had not been previously curated by ICSL or reported in the Human Gene Mutation Database (HGMD: prior to June 1st, 2018), and was therefore a candidate for classification through an automated scoring system. Utilizing variant allele frequency, disease prevalence and penetrance estimates, and inheritance mode, an automated score was calculated to assess if this variant is too frequent to cause the disease. Based on the score and internal cut-off values, a variant classified as benign is not then subjected to further curation. The score for this variant resulted in a classification of benign for this disease.

NM_001122681.2(SH3BP2):c.*2804G>A

Gene: SH3BP2 (SH3 domain binding protein 2; plus strand). Cytogenetic location: 4p16.3.
Variant type: single nucleotide variant.
Coding change: c.*2804G>A on transcript NM_001122681.2 (MANE Select); 2804 bases downstream of the stop codon, G replaced by A.
Molecular consequence: 3 prime UTR variant.
Genome position (GRCh38, 1-based): chr4:2,836,638, G>A. VCF-style: chr4-2836638-G-A. GRCh37 (hg19) VCF-style: chr4-2838365-G-A.
Other names: c.*2804G>A (LRG_1334t1, LRG_1334t2, NM_001145855.2 and 2 more transcripts).
Identifiers: ClinVar variation 348642 (VCV000348642.5), dbSNP rs545230689, ClinGen allele CA10617698.